The following is an entry in ClinVar:

NM_000082.4(ERCC8):c.175A>T (p.Met59Leu)

Gene: ERCC8 (ERCC excision repair 8, CSA ubiquitin ligase complex subunit; minus strand). Cytogenetic location: 5q12.1.
Variant type: single nucleotide variant.
Coding change: c.175A>T on transcript NM_000082.4 (MANE Select); coding-DNA position 175, A replaced by T.
Protein change: p.Met59Leu; replaces methionine 59 with leucine.
Molecular consequence: missense variant. On other transcripts: initiator codon variant (1), 5 prime UTR variant (1).
Genome position (GRCh38, 1-based): chr5:60,922,154, T>A on the plus strand (A>T on the coding strand, the complement: ERCC8 is on the minus strand). VCF-style: chr5-60922154-T-A. GRCh37 (hg19) VCF-style: chr5-60217981-T-A.
Other names: c.1A>T, p.Met1Leu (NM_001007233.3); c.175A>T, p.Met59Leu (NM_001007234.3); c.-203A>T (NM_001290285.2); short protein forms M59L, M1L.
Identifiers: ClinVar variation 595882 (VCV000595882.10), dbSNP rs140343389, ClinGen allele CA3277920.

ClinVar aggregate classification (germline): Uncertain significance. Review status: criteria provided, multiple submitters, no conflicts (2 of 4 stars). 4 submissions from 4 submitters: Uncertain significance (4). Last evaluated 2024-11-03.

Allele frequency attached by ClinVar (database versions not stated): gnomAD exomes 0.00004 and 0.00012; ExAC 0.00019; 1000 Genomes Project 30x 0.00031; 1000 Genomes Project 0.00040; ESP Exome Variant Server 0.00046; gnomAD 0.00048 and 0.00051; TOPMed 0.00050.
gnomAD v4.1: 125 of 1,585,868 alleles (0.0079%); highest among the groups gnomAD compares: African/African-American, 0.16%; no homozygotes.

Submissions (4):

GeneDx
Classification: Uncertain significance. Last evaluated: 2024-11-03. Review status: criteria provided, single submitter. Criteria: GeneDx Variant Classification Process June 2021. Collection method: clinical testing. Allele origin: germline. Affected: yes.
Comment: In silico analysis indicates that this missense variant does not alter protein structure/function; Has not been previously published as pathogenic or benign to our knowledge

Women's Health and Genetics/Laboratory Corporation of America, LabCorp
Classification: Uncertain significance. Last evaluated: 2023-12-12. Review status: criteria provided, single submitter. Criteria: LabCorp Variant Classification Summary - May 2015. Collection method: clinical testing. Allele origin: germline.

Labcorp Genetics (formerly Invitae), Labcorp
Classification: Uncertain significance. Last evaluated: 2022-08-20. Review status: criteria provided, single submitter. Criteria: Invitae Variant Classification Sherloc (09022015). Collection method: clinical testing. Allele origin: germline.
Comment: This sequence change replaces methionine, which is neutral and non-polar, with leucine, which is neutral and non-polar, at codon 59 of the ERCC8 protein (p.Met59Leu). This variant is present in population databases (rs140343389, gnomAD 0.2%). This variant has not been reported in the literature in individuals affected with ERCC8-related conditions. ClinVar contains an entry for this variant (Variation ID: 595882). Algorithms developed to predict the effect of missense changes on protein structure and function (SIFT, PolyPhen-2, Align-GVGD) all suggest that this variant is likely to be tolerated. In summary, the available evidence is currently insufficient to determine the role of this variant in disease. Therefore, it has been classified as a Variant of Uncertain Significance.

Eurofins Ntd Llc (ga)
Classification: Uncertain significance. Last evaluated: 2018-02-10. Review status: criteria provided, single submitter. Criteria: EGL ClinVar v180209 classification definitions. Collection method: clinical testing. Allele origin: germline. Observed: 1 variant allele, 1 heterozygote.